The following is an entry in ClinVar:

NM_005263.5(GFI1):c.340C>T (p.Pro114Ser)

Gene: GFI1 (growth factor independent 1 transcriptional repressor; minus strand). Cytogenetic location: 1p22.1.
Variant type: single nucleotide variant.
Coding change: c.340C>T on transcript NM_005263.5 (MANE Select); coding-DNA position 340, C replaced by T.
Protein change: p.Pro114Ser; replaces proline 114 with serine.
Molecular consequence: missense variant.
Genome position (GRCh38, 1-based): chr1:92,481,047, G>A on the plus strand (C>T on the coding strand, the complement: GFI1 is on the minus strand). VCF-style: chr1-92481047-G-A. GRCh37 (hg19) VCF-style: chr1-92946604-G-A.
Other names: c.340C>T, p.Pro114Ser (NM_001127215.3, NM_001127216.3); short protein forms P114S.
Identifiers: ClinVar variation 4843281 (VCV004843281.1).
Genomic context (GRCh38, chr1:92,481,047, plus strand): 5'-GCCGCAGGTCAGAACCCGCCAGGCCGCTCCATGAGTACGGTTTGAAAGGCAGGGGGAAGG[G>A]CTGGGCTTCGTCCAGCGATGGGCACATTGACTTCTCCGAGGCTGTGGAGGCACAAGGGGA-3'
Protein context (NP_005254.2, residues 104-124): SMCPSLDEAQ[Pro114Ser]FPLPFKPYSW

ClinVar aggregate classification (germline): Uncertain significance (1 of 4 stars; one submission).

Submission:

Ambry Genetics
Classification: Uncertain significance. Last evaluated: 2025-12-23. Review status: criteria provided, single submitter. Criteria: Ambry Variant Classification Scheme 2023. Collection method: clinical testing. Allele origin: germline.
Comment: The p.P114S variant (also known as c.340C>T), located in coding exon 3 of the GFI1 gene, results from a C to T substitution at nucleotide position 340. The proline at codon 114 is replaced by serine, an amino acid with similar properties. This amino acid position is conserved. In addition, this alteration is predicted to be tolerated by in silico analysis. Based on the available evidence, the clinical significance of this variant remains unclear.